The following is an entry in ClinVar:

ClinVar aggregate classification (germline): Likely benign (1 of 4 stars; one submission).

Submission:

CeGaT Center for Human Genetics Tuebingen
Classification: Likely benign. Last evaluated: 2025-04-01. Review status: criteria provided, single submitter. Criteria: CeGaT Center For Human Genetics Tuebingen Variant Classification Criteria Version 2. Collection method: clinical testing. Allele origin: germline. Affected: yes. Observed: 1 variant allele.
Comment: IGFN1: BP4, BP7

NM_001164586.2(IGFN1):c.6126G>A (p.Glu2042=)

Gene: IGFN1 (immunoglobulin like and fibronectin type III domain containing 1; plus strand). Cytogenetic location: 1q32.1.
Variant type: single nucleotide variant.
Coding change: c.6126G>A on transcript NM_001164586.2 (MANE Select); coding-DNA position 6126, G replaced by A.
Protein change: p.Glu2042=; no amino-acid change (glutamic acid 2042 retained).
Molecular consequence: synonymous variant. On other transcripts: intron variant (1).
Genome position (GRCh38, 1-based): chr1:201,211,019, G>A. VCF-style: chr1-201211019-G-A. GRCh37 (hg19) VCF-style: chr1-201180147-G-A.
Other names: c.1242-2487G>A (NM_001367841.1).
Identifiers: ClinVar variation 3898286 (VCV003898286.7).